The following is an entry in ClinVar:

ClinVar aggregate classification (germline): Uncertain significance (1 of 4 stars; one submission).

Allele frequency attached by ClinVar (database versions not stated): gnomAD exomes 0.00001; ExAC 0.00002; TOPMed below 0.00001.
gnomAD v4.1: 66 of 1,614,002 alleles (0.0041%); highest among the groups gnomAD compares: Non-Finnish European, 0.0054%; no homozygotes.

Submission:

Labcorp Genetics (formerly Invitae), Labcorp
Classification: Uncertain significance. Last evaluated: 2025-06-03. Review status: criteria provided, single submitter. Criteria: Invitae Variant Classification Sherloc (09022015). Collection method: clinical testing. Allele origin: germline.
Comment: This sequence change replaces alanine, which is neutral and non-polar, with aspartic acid, which is acidic and polar, at codon 66 of the RIMS1 protein (p.Ala66Asp). This variant is present in population databases (rs767344401, gnomAD 0.003%). This variant has not been reported in the literature in individuals affected with RIMS1-related conditions. ClinVar contains an entry for this variant (Variation ID: 1488901). An algorithm developed to predict the effect of missense changes on protein structure and function (PolyPhen-2) suggests that this variant is likely to be tolerated. In summary, the available evidence is currently insufficient to determine the role of this variant in disease. Therefore, it has been classified as a Variant of Uncertain Significance.

NM_014989.7(RIMS1):c.197C>A (p.Ala66Asp)

Gene: RIMS1 (regulating synaptic membrane exocytosis 1; plus strand). Cytogenetic location: 6q13.
Variant type: single nucleotide variant.
Coding change: c.197C>A on transcript NM_014989.7 (MANE Select); coding-DNA position 197, C replaced by A.
Protein change: p.Ala66Asp; replaces alanine 66 with aspartic acid.
Molecular consequence: missense variant. On other transcripts: intron variant (1).
Genome position (GRCh38, 1-based): chr6:71,969,015, C>A. VCF-style: chr6-71969015-C-A. GRCh37 (hg19) VCF-style: chr6-72678718-C-A.
Other names: c.197C>A, p.Ala66Asp (NM_001350411.1, NM_001350413.1); c.164+81828C>A (NM_001350412.1); short protein forms A66D.
Identifiers: ClinVar variation 1488901 (VCV001488901.8), dbSNP rs767344401, ClinGen allele CA3885422.